The following is an entry in ClinVar:

NM_003970.4(MYOM2):c.1426G>A (p.Ala476Thr)

Gene: MYOM2 (myomesin 2; plus strand). Cytogenetic location: 8p23.3.
Variant type: single nucleotide variant.
Coding change: c.1426G>A on transcript NM_003970.4 (MANE Select); coding-DNA position 1426, G replaced by A.
Protein change: p.Ala476Thr; replaces alanine 476 with threonine.
Molecular consequence: missense variant.
Genome position (GRCh38, 1-based): chr8:2,078,897, G>A. VCF-style: chr8-2078897-G-A. GRCh37 (hg19) VCF-style: chr8-2026978-G-A.
Other names: short protein forms A476T.
Identifiers: ClinVar variation 2369513 (VCV002369513.15), dbSNP rs200959191, ClinGen allele CA170450440.

ClinVar aggregate classification (germline): Conflicting classifications of pathogenicity. Review status: criteria provided, conflicting classifications (1 of 4 stars). 2 submissions from 2 submitters: Uncertain significance (1); Likely benign (1). Last evaluated 2025-01-01.

Allele frequency attached by ClinVar (database versions not stated): ESP Exome Variant Server 0.00015.

Submissions (2):

CeGaT Center for Human Genetics Tuebingen
Classification: Likely benign. Last evaluated: 2025-01-01. Review status: criteria provided, single submitter. Criteria: CeGaT Center For Human Genetics Tuebingen Variant Classification Criteria Version 2. Collection method: clinical testing. Allele origin: germline. Affected: yes. Observed: 1 variant allele.
Comment: MYOM2: BP4

Ambry Genetics
Classification: Uncertain significance. Last evaluated: 2021-08-17. Review status: criteria provided, single submitter. Criteria: Ambry Variant Classification Scheme 2023. Collection method: clinical testing. Allele origin: germline.